The following is an entry in ClinVar:

NM_005859.5(PURA):c.493G>A (p.Gly165Ser)

Gene: PURA (purine rich element binding protein A; plus strand). Cytogenetic location: 5q31.3.
Variant type: single nucleotide variant.
Coding change: c.493G>A on transcript NM_005859.5 (MANE Select); coding-DNA position 493, G replaced by A.
Protein change: p.Gly165Ser; replaces glycine 165 with serine.
Molecular consequence: missense variant.
Genome position (GRCh38, 1-based): chr5:140,114,674, G>A. VCF-style: chr5-140114674-G-A. GRCh37 (hg19) VCF-style: chr5-139494259-G-A.
Other names: short protein forms G165S.
Identifiers: ClinVar variation 580652 (VCV000580652.16), dbSNP rs1561793272, ClinGen allele CA361490897.

ClinVar aggregate classification (germline): Pathogenic/Likely pathogenic. Review status: criteria provided, multiple submitters, no conflicts (2 of 4 stars). 3 submissions from 3 submitters: Pathogenic (1); Likely pathogenic (2). Last evaluated 2026-01-15.

Conditions:
PURA-related severe neonatal hypotonia-seizures-encephalopathy syndrome (NEDRIHF). Also called: PURA-Related Neurodevelopmental Disorders; NEURODEVELOPMENTAL DISORDER WITH NEONATAL RESPIRATORY INSUFFICIENCY, HYPOTONIA, AND FEEDING DIFFICULTIES. Identifiers: Orphanet 438213, Orphanet 438216, MedGen C4015357, MONDO:1060108, OMIM 616158, MONDO:0018580.

Submissions (3):

Labcorp Genetics (formerly Invitae), Labcorp
Classification: Pathogenic for PURA-related severe neonatal hypotonia-seizures-encephalopathy syndrome. Last evaluated: 2026-01-15. Review status: criteria provided, single submitter. Criteria: Invitae Variant Classification Sherloc (09022015). Collection method: clinical testing. Allele origin: germline.
Comment: This sequence change replaces glycine, which is neutral and non-polar, with serine, which is neutral and polar, at codon 165 of the PURA protein (p.Gly165Ser). This variant is not present in population databases (gnomAD no frequency). This missense change has been observed in individual(s) with clinical features of PURA-related conditions (internal data). In at least one individual the variant was observed to be de novo. ClinVar contains an entry for this variant (Variation ID: 580652). Invitae Evidence Modeling of protein sequence and biophysical properties (such as structural, functional, and spatial information, amino acid conservation, physicochemical variation, residue mobility, and thermodynamic stability) indicates that this missense variant is expected to disrupt PURA protein function with a positive predictive value of 95%. For these reasons, this variant has been classified as Pathogenic.

Baylor Genetics
Classification: Likely pathogenic for PURA-related severe neonatal hypotonia-seizures-encephalopathy syndrome. Last evaluated: 2019-03-02. Review status: criteria provided, single submitter. Criteria: ACMG Guidelines, 2015. Collection method: clinical testing. Allele origin: de novo. Affected: yes.
Comment: This variant was determined to be likely pathogenic according to ACMG Guidelines, 2015 [PMID:25741868].

Undiagnosed Diseases Network, NIH
Classification: Likely pathogenic for PURA-related severe neonatal hypotonia-seizures-encephalopathy syndrome. Last evaluated: 2019-03-02. Review status: criteria provided, single submitter. Criteria: ACMG Guidelines, 2015. Collection method: clinical testing. Allele origin: de novo. Inheritance: Autosomal dominant inheritance. Affected: yes. Observed: 1 variant allele, 1 heterozygote.
Comment: Structural biology analysis predicts missense change will be damaging to protein function